The following is an entry in ClinVar:

NM_000550.3(TYRP1):c.1294A>T (p.Ile432Phe)

Genes: LURAP1L-AS1 (LURAP1L antisense RNA 1; minus strand), TYRP1 (tyrosinase related protein 1; plus strand). Cytogenetic location: 9p23.
Variant type: single nucleotide variant.
Coding change: c.1294A>T on transcript NM_000550.3 (MANE Select); coding-DNA position 1294, A replaced by T.
Protein change: p.Ile432Phe; replaces isoleucine 432 with phenylalanine.
Molecular consequence: missense variant.
Genome position (GRCh38, 1-based): chr9:12,708,029, A>T. VCF-style: chr9-12708029-A-T. GRCh37 (hg19) VCF-style: chr9-12708029-A-T.
Other names: short protein forms I432F.
Identifiers: ClinVar variation 1313504 (VCV001313504.5), dbSNP rs1286643378, ClinGen allele CA372943800.

ClinVar aggregate classification (germline): Uncertain significance. Review status: criteria provided, multiple submitters, no conflicts (2 of 4 stars). 3 submissions from 3 submitters: Uncertain significance (3). Last evaluated 2025-11-26.

Conditions:
Inborn genetic diseases. Identifiers: MedGen C0950123, MeSH D030342.

Allele frequency attached by ClinVar (database versions not stated): gnomAD exomes 0.00001; TOPMed 0.00002.
gnomAD v4.1: 4 of 1,612,446 alleles (0.00025%); highest among the groups gnomAD compares: Admixed American, 0.005%; no homozygotes.

Submissions (3):

Ambry Genetics
Classification: Uncertain significance for Inborn genetic diseases. Last evaluated: 2025-11-26. Review status: criteria provided, single submitter. Criteria: Ambry Variant Classification Scheme 2023. Collection method: clinical testing. Allele origin: germline.

Labcorp Genetics (formerly Invitae), Labcorp
Classification: Uncertain significance. Last evaluated: 2022-08-08. Review status: criteria provided, single submitter. Criteria: Invitae Variant Classification Sherloc (09022015). Collection method: clinical testing. Allele origin: germline.
Comment: This sequence change replaces isoleucine, which is neutral and non-polar, with phenylalanine, which is neutral and non-polar, at codon 432 of the TYRP1 protein (p.Ile432Phe). This variant is present in population databases (no rsID available, gnomAD 0.006%). This variant has not been reported in the literature in individuals affected with TYRP1-related conditions. ClinVar contains an entry for this variant (Variation ID: 1313504). Algorithms developed to predict the effect of missense changes on protein structure and function are either unavailable or do not agree on the potential impact of this missense change (SIFT: "Tolerated"; PolyPhen-2: "Probably Damaging"; Align-GVGD: "Class C0"). In summary, the available evidence is currently insufficient to determine the role of this variant in disease. Therefore, it has been classified as a Variant of Uncertain Significance.

GeneDx
Classification: Uncertain significance. Last evaluated: 2020-10-23. Review status: criteria provided, single submitter. Criteria: GeneDx Variant Classification Process June 2021. Collection method: clinical testing. Allele origin: germline. Affected: yes.
Comment: Has not been previously published as pathogenic or benign to our knowledge; In silico analysis supports that this missense variant has a deleterious effect on protein structure/function; In-silico analysis, which includes splice predictors and evolutionary conservation, is inconclusive as to whether the variant alters gene splicing. In the absence of RNA/functional studies, the actual effect of this sequence change is unknown.